The following is an entry in ClinVar:

NM_001128205.2(SULF1):c.1127C>T (p.Thr376Ile)

Gene: SULF1 (sulfatase 1; plus strand). Cytogenetic location: 8q13.3.
Variant type: single nucleotide variant.
Coding change: c.1127C>T on transcript NM_001128205.2 (MANE Select); coding-DNA position 1127, C replaced by T.
Protein change: p.Thr376Ile; replaces threonine 376 with isoleucine.
Molecular consequence: missense variant. On other transcripts: 5 prime UTR variant (1), non-coding transcript variant (7), intron variant (4).
Genome position (GRCh38, 1-based): chr8:69,603,257, C>T. VCF-style: chr8-69603257-C-T. GRCh37 (hg19) VCF-style: chr8-70515492-C-T.
Other names: c.1127C>T, p.Thr376Ile (NM_001128204.2, NM_001128206.2, NM_001412828.1 and 14 more transcripts); c.941C>T, p.Thr314Ile (NM_001412841.1, NM_001412842.1); c.527C>T, p.Thr176Ile (NM_001412844.1, NM_001412845.1); c.-649C>T (NM_001412846.1); c.1062-343C>T (NM_001412839.1, NM_001412838.1, NM_001412832.1 and 1 more transcripts); short protein forms T176I, T314I, T376I.
Identifiers: ClinVar variation 4766671 (VCV004766671.1).

ClinVar aggregate classification (germline): Uncertain significance (1 of 4 stars; one submission).

gnomAD v4.1: 2 of 1,614,176 alleles (0.00012%); highest among the groups gnomAD compares: Admixed American, 0.0033%; no homozygotes.

Submission:

Labcorp Genetics (formerly Invitae), Labcorp
Classification: Uncertain significance. Last evaluated: 2025-04-11. Review status: criteria provided, single submitter. Criteria: Invitae Variant Classification Sherloc (09022015). Collection method: clinical testing. Allele origin: germline.
Comment: This sequence change replaces threonine, which is neutral and polar, with isoleucine, which is neutral and non-polar, at codon 376 of the SULF1 protein (p.Thr376Ile). This variant is present in population databases (no rsID available, gnomAD 0.003%). This variant has not been reported in the literature in individuals affected with SULF1-related conditions. An algorithm developed to predict the effect of missense changes on protein structure and function (PolyPhen-2) suggests that this variant is likely to be tolerated. In summary, the available evidence is currently insufficient to determine the role of this variant in disease. Therefore, it has been classified as a Variant of Uncertain Significance.